The following is an entry in ClinVar:

ClinVar aggregate classification (germline): Uncertain significance. Review status: criteria provided, multiple submitters, no conflicts (2 of 4 stars). 2 submissions from 2 submitters: Uncertain significance (2). Last evaluated 2025-11-17.

Conditions:
Familial cancer of breast. Also called: hereditary breast carcinoma; BREAST CANCER, FAMILIAL; Hereditary breast cancer. Identifiers: Orphanet 227535, MedGen C0346153, MONDO:0016419, OMIM 114480. Disease mechanism: loss of function.
Hereditary cancer-predisposing syndrome. Also called: Neoplastic Syndromes, Hereditary; Hereditary neoplastic syndrome; Tumor predisposition; Hereditary Cancer Syndrome. Identifiers: Orphanet 140162, MedGen C0027672, MeSH D009386, MONDO:0015356.

Submissions (2):

Labcorp Genetics (formerly Invitae), Labcorp
Classification: Uncertain significance for Familial cancer of breast. Last evaluated: 2025-11-17. Review status: criteria provided, single submitter. Criteria: Invitae Variant Classification Sherloc (09022015). Collection method: clinical testing. Allele origin: germline.
Comment: This variant, c.700_705dup, results in the insertion of 2 amino acid(s) of the CHEK2 protein (p.Val234_Lys235dup), but otherwise preserves the integrity of the reading frame. This variant is present in population databases (rs761930314, gnomAD 0.02%). This variant has not been reported in the literature in individuals affected with CHEK2-related conditions. ClinVar contains an entry for this variant (Variation ID: 2891597). In summary, the available evidence is currently insufficient to determine the role of this variant in disease. Therefore, it has been classified as a Variant of Uncertain Significance.

Ambry Genetics
Classification: Uncertain significance for Hereditary cancer-predisposing syndrome. Last evaluated: 2024-11-27. Review status: criteria provided, single submitter. Criteria: Ambry Variant Classification Scheme 2023. Collection method: clinical testing. Allele origin: germline.
Comment: The c.700_705dupGTAAAG variant (also known as p.V234_K235dup), located in coding exon 5 of the CHEK2 gene, results from an in-frame duplication of GTAAAG at nucleotide positions 700 to 705. This results in the duplication of 2 extra residues (VK) between codons 234 and 235. These amino acid positions are highly conserved in available vertebrate species. In addition, this alteration is predicted to be deleterious by in silico analysis (Choi Y et al. PLoS ONE. 2012; 7(10):e46688). Based on the available evidence, the clinical significance of this variant remains unclear.

NM_007194.4(CHEK2):c.700_705dup (p.Lys235_Leu236insValLys)

Gene: CHEK2 (checkpoint kinase 2; minus strand). Cytogenetic location: 22q12.1.
Variant type: Duplication.
Coding change: c.700_705dup on transcript NM_007194.4 (MANE Select); coding-DNA positions 700 to 705, 6 bases duplicated (GTAAAG; older notation c.700_705dupGTAAAG).
Protein change: p.Lys235_Leu236insValLys.
Molecular consequence: inframe insertion. On other transcripts: inframe indel (4).
Genome position (GRCh38, 1-based): chr22:28,711,996-28,712,001, CTTTAC duplicated on the plus strand (GTAAAG on the coding strand, the reverse complement: CHEK2 is on the minus strand); duplicating any 6 consecutive bases within chr22:28,711,996-28,712,003 gives the same sequence; the c. name uses the placement nearest the transcript's 3' end. VCF-style (leftmost placement, unchanged base first): chr22-28711995-G-GCTTTAC. GRCh37 (hg19) VCF-style: chr22-29107983-G-GCTTTAC.
Other names: c.827_832dup, p.Lys278_Leu279insValLys (NM_001005735.3); c.35_40dup, p.Lys14_Leu15insValLys (NM_001257387.3); c.497_502dup, p.Lys168_Leu169insValLys (NM_001349956.3); c.698_703dup, p.Lys235_Leu236insValLys (NM_145862.3).
Identifiers: ClinVar variation 2891597 (VCV002891597.4), dbSNP rs761930314, ClinGen allele CA10167895.